The following is an entry in ClinVar:

ClinVar aggregate classification (germline): Conflicting classifications of pathogenicity. Review status: criteria provided, conflicting classifications (1 of 4 stars). 2 submissions from 2 submitters: Uncertain significance (1); Likely benign (1). Last evaluated 2024-10-16.

Allele frequency attached by ClinVar (database versions not stated): gnomAD exomes 0.00001; gnomAD 0.00007; TOPMed 0.00013.
gnomAD v4.1: 20 of 1,209,694 alleles (0.0017%); highest among the groups gnomAD compares: Admixed American, 0.033%; no homozygotes.

Submissions (2):

Labcorp Genetics (formerly Invitae), Labcorp
Classification: Uncertain significance. Last evaluated: 2024-10-16. Review status: criteria provided, single submitter. Criteria: Invitae Variant Classification Sherloc (09022015). Collection method: clinical testing. Allele origin: germline.
Comment: This sequence change replaces isoleucine, which is neutral and non-polar, with valine, which is neutral and non-polar, at codon 420 of the COL4A6 protein (p.Ile420Val). This variant is present in population databases (no rsID available, gnomAD 0.007%). This variant has not been reported in the literature in individuals affected with COL4A6-related conditions. Invitae Evidence Modeling of protein sequence and biophysical properties (such as structural, functional, and spatial information, amino acid conservation, physicochemical variation, residue mobility, and thermodynamic stability) indicates that this missense variant is not expected to disrupt COL4A6 protein function with a negative predictive value of 80%. In summary, the available evidence is currently insufficient to determine the role of this variant in disease. Therefore, it has been classified as a Variant of Uncertain Significance.

Ambry Genetics
Classification: Likely benign. Last evaluated: 2023-12-18. Review status: criteria provided, single submitter. Criteria: Ambry Variant Classification Scheme 2023. Collection method: clinical testing. Allele origin: germline.

NM_033641.4(COL4A6):c.1255A>G (p.Ile419Val)

Gene: COL4A6 (collagen type IV alpha 6 chain; minus strand). Cytogenetic location: Xq22.3.
Variant type: single nucleotide variant.
Coding change: c.1255A>G on transcript NM_033641.4 (MANE Select); coding-DNA position 1255, A replaced by G.
Protein change: p.Ile419Val; replaces isoleucine 419 with valine.
Molecular consequence: missense variant.
Genome position (GRCh38, 1-based): chrX:108,191,459, T>C on the plus strand (A>G on the coding strand, the complement: COL4A6 is on the minus strand). VCF-style: chrX-108191459-T-C. GRCh37 (hg19) VCF-style: chrX-107434689-T-C.
Other names: c.1258A>G (NM_001847.2); c.1255A>G, p.Ile419Val (NM_001287758.2, NM_001287759.2, NM_001287760.2); c.1258A>G, p.Ile420Val (NM_001847.4); short protein forms I419V, I420V.
Identifiers: ClinVar variation 2703824 (VCV002703824.4), dbSNP rs1006014823, ClinGen allele CA334054450.